The following is an entry in ClinVar:

ClinVar aggregate classification (germline): Pathogenic (1 of 4 stars; one submission).

Conditions:
Neuronal ceroid lipofuscinosis 1 (CLN1). Also called: CEROID LIPOFUSCINOSIS, NEURONAL, 1, VARIABLE AGE AT ONSET; PPT1-Related Neuronal Ceroid-Lipofuscinosis. Identifiers: Orphanet 228329, MedGen C1850451, MONDO:0009744, OMIM 256730.

Submission:

Labcorp Genetics (formerly Invitae), Labcorp
Classification: Pathogenic for Ceroid lipofuscinosis neuronal 1. Last evaluated: 2019-02-11. Review status: criteria provided, single submitter. Criteria: Invitae Variant Classification Sherloc (09022015). Collection method: clinical testing. Allele origin: germline.
Comment: This variant is an out-of-frame deletion of the genomic region encompassing exon 2 of the PPT1 gene. This is expected to create a premature translational stop signal and result in an absent or disrupted protein product. Deletion of exon 2 has been observed in individuals affected with neuronal ceroid-lipofuscinosis (PMID: 19302939, 23374165). Loss-of-function variants in PPT1 are known to be pathogenic (PMID: 10679943). For these reasons, this variant has been classified as Pathogenic.

Literature cited by the submitters: PubMed 19302939; PubMed 23374165.

NM_000310.4(PPT1):c.124+1215_235-103del

Gene: PPT1 (palmitoyl-protein thioesterase 1; minus strand). Cytogenetic location: 1p34.2.
Variant type: Deletion.
Coding change: c.124+1215_235-103del on transcript NM_000310.4 (MANE Select); 1215 bases into the intron after coding-DNA position 124 through 103 bases into the intron before coding-DNA position 235, 3,626 bases deleted.
Genome position (GRCh38, 1-based): chr1:40,092,275-40,095,900, 3,626 bases deleted. GRCh37 (hg19): chr1:40,557,952-40,561,577.
Other names: c.124+1215_125-2763del (NM_001142604.2); c.124+1215_235-103del (NM_001363695.2).
Identifiers: ClinVar variation 846185 (VCV000846185.1), ClinGen allele CA916082015.